The following is an entry in ClinVar:

NM_001009944.3(PKD1):c.9202-3C>A

Gene: PKD1 (polycystin 1, transient receptor potential channel interacting; minus strand). Cytogenetic location: 16p13.3.
Variant type: single nucleotide variant.
Coding change: c.9202-3C>A on transcript NM_001009944.3 (MANE Select); 3 bases into the intron before coding-DNA position 9202, C replaced by A.
Molecular consequence: intron variant.
Genome position (GRCh38, 1-based): chr16:2,102,259, G>T on the plus strand (C>A on the coding strand, the complement: PKD1 is on the minus strand). VCF-style: chr16-2102259-G-T. GRCh37 (hg19) VCF-style: chr16-2152260-G-T.
Other names: c.9202-3C>A (NM_000296.4).
Identifiers: ClinVar variation 3378193 (VCV003378193.2).
Genomic context (GRCh38, chr16:2,102,259, plus strand): 5'-TCACCAGGCACACAGCACATGTCAGCATGACGATGTAGTTTACATCCGCTGTCGGCTCCT[G>T]TGAGGACACAGCCGCCGGGCCCAGGAGGTCACGTGCAAGCTGTGCCTTCTCAGGATAGAG-3'

ClinVar aggregate classification (germline): Uncertain significance. Review status: criteria provided, multiple submitters, no conflicts (2 of 4 stars). 2 submissions from 2 submitters: Uncertain significance (2). Last evaluated 2024-05-14.

Conditions:
Polycystic kidney disease, adult type (PKD1). Also called: POLYCYSTIC KIDNEY DISEASE, ADULT, TYPE I; Polycystic Kidney Disease 1, Autosomal Dominant; Polycystic kidney disease 1; Polycystic kidney disease 1, severe; Polycystic Kidney, Autosomal Dominant; POLYCYSTIC KIDNEY DISEASE 1 WITH OR WITHOUT POLYCYSTIC LIVER DISEASE. Identifiers: MedGen C3149841, MONDO:0008263, OMIM 173900.

Submissions (2):

GeneDx
Classification: Uncertain significance. Last evaluated: 2024-05-14. Review status: criteria provided, single submitter. Criteria: GeneDx Variant Classification Process June 2021. Collection method: clinical testing. Allele origin: germline. Affected: yes.
Comment: Not observed at significant frequency in large population cohorts (gnomAD); In silico analysis supports a deleterious effect on splicing; Has not been previously published as pathogenic or benign to our knowledge

Fulgent Genetics
Classification: Uncertain significance for Polycystic kidney disease, adult type. Last evaluated: 2024-04-19. Review status: criteria provided, single submitter. Criteria: ACMG Guidelines, 2015. Collection method: clinical testing. Allele origin: germline.